The following is an entry in ClinVar:

NM_006096.4(NDRG1):c.891+5G>A

Gene: NDRG1 (N-myc downstream regulated 1; minus strand). Cytogenetic location: 8q24.22.
Variant type: single nucleotide variant.
Coding change: c.891+5G>A on transcript NM_006096.4 (MANE Select); 5 bases into the intron after coding-DNA position 891, G replaced by A.
Molecular consequence: intron variant.
Genome position (GRCh38, 1-based): chr8:133,244,350, C>T on the plus strand (G>A on the coding strand, the complement: NDRG1 is on the minus strand). VCF-style: chr8-133244350-C-T. GRCh37 (hg19) VCF-style: chr8-134256593-C-T.
Other names: c.693+5G>A (NM_001258432.2, NM_001374847.1); c.648+5G>A (NM_001258433.2); c.942+5G>A (NM_001374844.1); c.891+5G>A (NM_001135242.2, NM_001374845.1, NM_001374846.1).
Identifiers: ClinVar variation 410954 (VCV000410954.9), dbSNP rs150968034, ClinGen allele CA4886514.
Genomic context (GRCh38, chr8:133,244,350, plus strand): 5'-GGCACATGCACTCCACCCAGGGGGAAGCGACAGCTGTATAATGCAAAAGCCAACATGGCA[C>T]TCACCTGGGAGATCTGCGGGAGGCCGCCACAGTCCGCCATCTAGGAGAGAGGGAAGCTCG-3'

ClinVar aggregate classification (germline): Conflicting classifications of pathogenicity. Review status: criteria provided, conflicting classifications (1 of 4 stars). 4 submissions from 4 submitters: Uncertain significance (2); Likely benign (1). 1 of the submissions does not count toward it. Last evaluated 2025-04-28.

Conditions:
NDRG1-related disorder. Also called: NDRG1-related condition.
Inborn genetic diseases. Identifiers: MedGen C0950123, MeSH D030342.
Charcot-Marie-Tooth disease type 4. Also called: Charcot-Marie-Tooth disease, type IV; Charcot-Marie-Tooth, Type 4. Identifiers: Orphanet 64749, MedGen C4082197, MONDO:0018995.
Charcot-Marie-Tooth disease type 4D. Also called: CHARCOT-MARIE-TOOTH DISEASE, DEMYELINATING, AUTOSOMAL RECESSIVE, TYPE 4D; NEUROPATHY, HEREDITARY MOTOR AND SENSORY, LOM TYPE; Charcot-Marie-Tooth Neuropathy Type 4D; CHARCOT-MARIE-TOOTH DISEASE, DEMYELINATING, TYPE 4D. Identifiers: Orphanet 99950, MedGen C1832334, MONDO:0011085, OMIM 601455.

Allele frequency attached by ClinVar (database versions not stated): gnomAD exomes 0.00003 and 0.00010; ExAC 0.00017; gnomAD 0.00039 and 0.00044; TOPMed 0.00050; 1000 Genomes Project 0.00060; 1000 Genomes Project 30x 0.00062; ESP Exome Variant Server 0.00069.
gnomAD v4.1: 110 of 1,614,218 alleles (0.0068%); highest among the groups gnomAD compares: African/African-American, 0.13%; no homozygotes.

Submissions (4):

PreventionGenetics, part of Exact Sciences
Classification: Likely benign for NDRG1-related condition. Last evaluated: 2025-04-28. Review status: criteria provided, single submitter. Criteria: ACMG Guidelines, 2015. Collection method: clinical testing. Allele origin: germline.
Comment: This variant is classified as likely benign based on ACMG/AMP sequence variant interpretation guidelines (Richards et al. 2015 PMID: 25741868, with internal and published modifications).

Labcorp Genetics (formerly Invitae), Labcorp
Classification: Uncertain significance for Charcot-Marie-Tooth disease type 4. Last evaluated: 2022-08-09. Review status: criteria provided, single submitter. Criteria: Invitae Variant Classification Sherloc (09022015). Collection method: clinical testing. Allele origin: germline.
Comment: This sequence change falls in intron 14 of the NDRG1 gene. It does not directly change the encoded amino acid sequence of the NDRG1 protein. It affects a nucleotide within the consensus splice site. This variant is present in population databases (rs150968034, gnomAD 0.1%). This variant has not been reported in the literature in individuals affected with NDRG1-related conditions. ClinVar contains an entry for this variant (Variation ID: 410954). Variants that disrupt the consensus splice site are a relatively common cause of aberrant splicing (PMID: 17576681, 9536098). Algorithms developed to predict the effect of sequence changes on RNA splicing suggest that this variant is not likely to affect RNA splicing. In summary, the available evidence is currently insufficient to determine the role of this variant in disease. Therefore, it has been classified as a Variant of Uncertain Significance.

Ambry Genetics
Classification: Uncertain significance for Inborn genetic diseases. Last evaluated: 2022-03-02. Review status: criteria provided, single submitter. Criteria: Ambry Variant Classification Scheme 2023. Collection method: clinical testing. Allele origin: germline.
Comment: The c.891+5G>A intronic variant results from a G to A substitution 5 nucleotides after coding exon 13 in the NDRG1 gene. This nucleotide position is highly conserved in available vertebrate species. In silico splice site analysis predicts that this alteration will not have any significant effect on splicing. Since supporting evidence is limited at this time, the clinical significance of this alteration remains unclear.

Natera, Inc.
Classification: Uncertain significance for Charcot-Marie-Tooth disease type 4D. Last evaluated: 2020-01-24. Review status: no assertion criteria provided. Collection method: clinical testing. Allele origin: germline. Not counted in ClinVar's aggregate classification.

Literature cited by the submitters: PubMed 17576681 (cited by Labcorp Genetics (formerly Invitae), Labcorp); PubMed 9536098 (cited by Labcorp Genetics (formerly Invitae), Labcorp).